The following is an entry in ClinVar:

NM_001013703.4(EIF2AK4):c.3633dup (p.His1212fs)

Gene: EIF2AK4 (eukaryotic translation initiation factor 2 alpha kinase 4; plus strand). Cytogenetic location: 15q15.1.
Variant type: Duplication.
Coding change: c.3633dup on transcript NM_001013703.4 (MANE Select); coding-DNA position 3633, one base duplicated (A; older notation c.3633dupA).
Protein change: p.His1212fs; shifts the reading frame from histidine 1212.
Molecular consequence: frameshift variant.
Genome position (GRCh38, 1-based): chr15:40,009,670, A duplicated. VCF-style (leftmost placement, unchanged base first): chr15-40009669-T-TA. GRCh37 (hg19) VCF-style: chr15-40301870-T-TA.
Other names: short protein forms H1212fs.
Identifiers: ClinVar variation 2662544 (VCV002662544.1), dbSNP rs749805695, ClinGen allele CA7474400.
Genomic context (GRCh38, chr15:40,009,669, plus strand): 5'-CCCAGGAAAGAAATTACAGTATTTATTTGAACCATACCATGTTATTGAAAGCAATACTCT[T>TA]ACACTGTGGGATCCCAGAAGATAAACTCAGTCAAGTCTACATTATTCTGTATGATGCTGT-3'

ClinVar aggregate classification (germline): Pathogenic (1 of 4 stars; one submission).

Allele frequency attached by ClinVar (database versions not stated): gnomAD exomes below 0.00001; ExAC 0.00001; gnomAD 0.00002; TOPMed 0.00002.

Submission:

GeneDx
Classification: Pathogenic. Last evaluated: 2023-05-04. Review status: criteria provided, single submitter. Criteria: GeneDx Variant Classification Process June 2021. Collection method: clinical testing. Allele origin: germline. Affected: yes.
Comment: Not observed at significant frequency in large population cohorts (gnomAD); Frameshift variant predicted to result in protein truncation or nonsense mediated decay in a gene for which loss of function is a known mechanism of disease; This variant is associated with the following publications: (PMID: 26699722, 28087362)